The following is an entry in ClinVar:

NM_001113378.2(FANCI):c.2497A>G (p.Arg833Gly)

Gene: FANCI (FA complementation group I; plus strand). Cytogenetic location: 15q26.1.
Variant type: single nucleotide variant.
Coding change: c.2497A>G on transcript NM_001113378.2 (MANE Select); coding-DNA position 2497, A replaced by G.
Protein change: p.Arg833Gly; replaces arginine 833 with glycine.
Molecular consequence: missense variant. On other transcripts: intron variant (1).
Genome position (GRCh38, 1-based): chr15:89,294,955, A>G. VCF-style: chr15-89294955-A-G. GRCh37 (hg19) VCF-style: chr15-89838186-A-G.
Other names: c.2218A>G, p.Arg740Gly (NM_001376910.1); c.2497A>G, p.Arg833Gly (NM_001376911.1); c.2456+958A>G (NM_018193.3); short protein forms R833G, R740G.
Identifiers: ClinVar variation 2049757 (VCV002049757.4), dbSNP rs1341559801, ClinGen allele CA393750709.

ClinVar aggregate classification (germline): Uncertain significance (1 of 4 stars; one submission).

Conditions:
Fanconi anemia (FA). Also called: Fanconi's anemia. Identifiers: Orphanet 84, MedGen C0015625, MeSH D005199, MONDO:0019391.

Allele frequency attached by ClinVar (database versions not stated): gnomAD exomes below 0.00001.
gnomAD v4.1: 2 of 1,552,320 alleles (0.00013%); highest among the groups gnomAD compares: East Asian, 0.0024%; no homozygotes.

Submission:

Labcorp Genetics (formerly Invitae), Labcorp
Classification: Uncertain significance for Fanconi anemia. Last evaluated: 2025-04-14. Review status: criteria provided, single submitter. Criteria: Invitae Variant Classification Sherloc (09022015). Collection method: clinical testing. Allele origin: germline.
Comment: This sequence change replaces arginine, which is basic and polar, with glycine, which is neutral and non-polar, at codon 833 of the FANCI protein (p.Arg833Gly). This variant is present in population databases (no rsID available, gnomAD 0.01%). This variant has not been reported in the literature in individuals affected with FANCI-related conditions. ClinVar contains an entry for this variant (Variation ID: 2049757). An algorithm developed to predict the effect of missense changes on protein structure and function (PolyPhen-2) suggests that this variant is likely to be disruptive. In summary, the available evidence is currently insufficient to determine the role of this variant in disease. Therefore, it has been classified as a Variant of Uncertain Significance.